The following is an entry in ClinVar:

NM_014140.4(SMARCAL1):c.1828C>G (p.Leu610Val)

Gene: SMARCAL1 (SNF2 related chromatin remodeling annealing helicase 1; plus strand). Cytogenetic location: 2q35.
Variant type: single nucleotide variant.
Coding change: c.1828C>G on transcript NM_014140.4 (MANE Select); coding-DNA position 1828, C replaced by G.
Protein change: p.Leu610Val; replaces leucine 610 with valine.
Molecular consequence: missense variant.
Genome position (GRCh38, 1-based): chr2:216,447,135, C>G. VCF-style: chr2-216447135-C-G. GRCh37 (hg19) VCF-style: chr2-217311858-C-G.
Other names: c.1828C>G, p.Leu610Val (NM_001127207.2); short protein forms L610V.
Identifiers: ClinVar variation 2092350 (VCV002092350.5), dbSNP rs2469012625, ClinGen allele CA350501833.

ClinVar aggregate classification (germline): Uncertain significance. Review status: criteria provided, single submitter (1 of 4 stars). 2 submissions from 2 submitters: Uncertain significance (1). 1 of the submissions does not count toward it. Last evaluated 2022-08-29.

Conditions:
Schimke immuno-osseous dysplasia (SIOD). Also called: Schimke Immunoosseous Dysplasia. Identifiers: Orphanet 1830, MedGen C0877024, MONDO:0009458, OMIM 242900.

Submissions (2):

Labcorp Genetics (formerly Invitae), Labcorp
Classification: Uncertain significance for Schimke immuno-osseous dysplasia. Last evaluated: 2022-08-29. Review status: criteria provided, single submitter. Criteria: Invitae Variant Classification Sherloc (09022015). Collection method: clinical testing. Allele origin: germline.
Comment: This sequence change replaces leucine, which is neutral and non-polar, with valine, which is neutral and non-polar, at codon 610 of the SMARCAL1 protein (p.Leu610Val). In summary, the available evidence is currently insufficient to determine the role of this variant in disease. Therefore, it has been classified as a Variant of Uncertain Significance. Algorithms developed to predict the effect of missense changes on protein structure and function are either unavailable or do not agree on the potential impact of this missense change (SIFT: "Tolerated"; PolyPhen-2: "Possibly Damaging"; Align-GVGD: "Class C0"). This variant has not been reported in the literature in individuals affected with SMARCAL1-related conditions. This variant is not present in population databases (gnomAD no frequency).

Natera, Inc.
Classification: Uncertain significance for Schimke immuno-osseous dysplasia. Last evaluated: 2025-01-15. Review status: no assertion criteria provided. Collection method: clinical testing. Allele origin: germline. Not counted in ClinVar's aggregate classification.